The following is an entry in ClinVar:

ClinVar aggregate classification (germline): Uncertain significance (1 of 4 stars; one submission).

Allele frequency attached by ClinVar (database versions not stated): gnomAD exomes below 0.00001.
gnomAD v4.1: 3 of 1,611,308 alleles (0.00019%); highest among the groups gnomAD compares: South Asian, 0.0022%; no homozygotes.

Submission:

Labcorp Genetics (formerly Invitae), Labcorp
Classification: Uncertain significance. Last evaluated: 2021-11-07. Review status: criteria provided, single submitter. Criteria: Invitae Variant Classification Sherloc (09022015). Collection method: clinical testing. Allele origin: germline.
Comment: This sequence change replaces alanine, which is neutral and non-polar, with threonine, which is neutral and polar, at codon 2009 of the DSCAML1 protein (p.Ala2009Thr). The frequency data for this variant in the population databases is considered unreliable, as metrics indicate poor data quality at this position in the gnomAD database. This variant has not been reported in the literature in individuals affected with DSCAML1-related conditions. Algorithms developed to predict the effect of missense changes on protein structure and function are either unavailable or do not agree on the potential impact of this missense change (SIFT: "Deleterious"; PolyPhen-2: "Benign"; Align-GVGD: "Class C0"). In summary, the available evidence is currently insufficient to determine the role of this variant in disease. Therefore, it has been classified as a Variant of Uncertain Significance.

NM_020693.4(DSCAML1):c.5845G>A (p.Ala1949Thr)

Gene: DSCAML1 (DS cell adhesion molecule like 1; minus strand). Cytogenetic location: 11q23.3.
Variant type: single nucleotide variant.
Coding change: c.5845G>A on transcript NM_020693.4 (MANE Select); coding-DNA position 5845, G replaced by A.
Protein change: p.Ala1949Thr; replaces alanine 1949 with threonine.
Molecular consequence: missense variant.
Genome position (GRCh38, 1-based): chr11:117,428,645, C>T on the plus strand (G>A on the coding strand, the complement: DSCAML1 is on the minus strand). VCF-style: chr11-117428645-C-T. GRCh37 (hg19) VCF-style: chr11-117299361-C-T.
Other names: short protein forms A1949T.
Identifiers: ClinVar variation 1392021 (VCV001392021.6), dbSNP rs1256518161, ClinGen allele CA382751290.